The following is an entry in ClinVar:

ClinVar aggregate classification (germline): Conflicting classifications of pathogenicity. Review status: criteria provided, conflicting classifications (1 of 4 stars). 3 submissions from 3 submitters: Likely pathogenic (1); Uncertain significance (1); Likely benign (1). Last evaluated 2025-05-05.

Conditions:
Hereditary cancer-predisposing syndrome. Also called: Neoplastic Syndromes, Hereditary; Tumor predisposition; Hereditary Cancer Syndrome; Hereditary neoplastic syndrome. Identifiers: Orphanet 140162, MedGen C0027672, MeSH D009386, MONDO:0015356.
Cardiovascular phenotype. Identifiers: MedGen CN230736.

Allele frequency attached by ClinVar (database versions not stated): gnomAD exomes below 0.00001; TOPMed 0.00001.
gnomAD v4.1: 3 of 1,614,132 alleles (0.00019%); highest among the groups gnomAD compares: Non-Finnish European, 0.00025%; no homozygotes.

Submissions (3):

Labcorp Genetics (formerly Invitae), Labcorp
Classification: Likely benign. Last evaluated: 2025-05-05. Review status: criteria provided, single submitter. Criteria: Invitae Variant Classification Sherloc (09022015). Collection method: clinical testing. Allele origin: germline.

Ambry Genetics
Classification: Likely pathogenic for Cardiovascular phenotype; Hereditary cancer-predisposing syndrome. Last evaluated: 2024-12-17. Review status: criteria provided, single submitter. Criteria: Ambry Variant Classification Scheme 2023. Collection method: clinical testing. Allele origin: germline.
Comment: The c.384C>T variant (also known as p.S128S), located in coding exon 4 of the LZTR1 gene, results from a C to T substitution at nucleotide position 384. This nucleotide substitution does not change the at codon 128. This nucleotide position is highly conserved in available vertebrate species. In silico splice site analysis predicts that this alteration will not have any significant effect on splicing. However, RNA studies have demonstrated that this alteration results in abnormal splicing in the set of samples tested (Ambry internal data). This variant is considered to be rare based on population cohorts in the Genome Aggregation Database (gnomAD). Loss-of-function variants in LZTR1 are related to an increased risk for schwannomas and autosomal recessive Noonan syndrome; however, such associations with autosomal dominant Noonan syndrome have not been observed (Piotrowski A et al. Nat Genet. 2014 Feb;46:182-7; Yamamoto GL et al. J Med Genet. 2015 Jun;52:413-21; Johnston JJ et al. Genet Med. 2018 10;20:1175-1185). Based on the supporting evidence, this variant is likely pathogenic for an increased risk of LZTR1-related schwannomatosis (SWN) and would be expected to cause autosomal recessive Noonan syndrome when present along with a second pathogenic or likely pathogenic variant on the other allele; however, the association of this alteration with autosomal dominant Noonan syndrome is unlikely.

GeneDx
Classification: Uncertain significance. Last evaluated: 2022-07-08. Review status: criteria provided, single submitter. Criteria: GeneDx Variant Classification Process June 2021. Collection method: clinical testing. Allele origin: germline. Affected: yes.
Comment: Not observed at significant frequency in large population cohorts (gnomAD); In silico analysis supports that this variant does not alter splicing; Has not been previously published as pathogenic or benign to our knowledge

NM_006767.4(LZTR1):c.384C>T (p.Ser128=)

Gene: LZTR1 (leucine zipper like post translational regulator 1; plus strand). Cytogenetic location: 22q11.21.
Variant type: single nucleotide variant.
Coding change: c.384C>T on transcript NM_006767.4 (MANE Select); coding-DNA position 384, C replaced by T.
Protein change: p.Ser128=; no amino-acid change (serine 128 retained).
Molecular consequence: synonymous variant.
Genome position (GRCh38, 1-based): chr22:20,987,567, C>T. VCF-style: chr22-20987567-C-T. GRCh37 (hg19) VCF-style: chr22-21341856-C-T.
Identifiers: ClinVar variation 1735501 (VCV001735501.8), dbSNP rs756817158, ClinGen allele CA513489151.